The following is an entry in ClinVar:

NM_000414.4(HSD17B4):c.264T>C (p.Asp88=)

Gene: HSD17B4 (hydroxysteroid 17-beta dehydrogenase 4; plus strand). Cytogenetic location: 5q23.1.
Variant type: single nucleotide variant.
Coding change: c.264T>C on transcript NM_000414.4 (MANE Select); coding-DNA position 264, T replaced by C.
Protein change: p.Asp88=; no amino-acid change (aspartic acid 88 retained).
Molecular consequence: synonymous variant. On other transcripts: 5 prime UTR variant (6), non-coding transcript variant (2).
Genome position (GRCh38, 1-based): chr5:119,474,444, T>C. VCF-style: chr5-119474444-T-C. GRCh37 (hg19) VCF-style: chr5-118810139-T-C.
Other names: c.339T>C, p.Asp113= (NM_001199291.3); c.210T>C, p.Asp70= (NM_001199292.2); c.192T>C, p.Asp64= (NM_001292027.2); c.-148T>C (NM_001292028.2, NM_001374501.1, NM_001374502.1 and 1 more transcripts); c.264T>C, p.Asp88= (NM_001374497.1, NM_001374498.1); c.-17T>C (NM_001374499.1); c.-275T>C (NM_001374500.1).
Identifiers: ClinVar variation 1120139 (VCV001120139.12), dbSNP rs763999607, ClinGen allele CA3381736.
Genomic context (GRCh38, chr5:119,474,444, plus strand): 5'-ATTTTCCTTTCCCTCAGATTCAGTGGAAGAAGGAGAGAAGGTTGTGAAGACAGCCCTGGA[T>C]GCTTTTGGAAGAATAGGTGATGTTTCTTTGTGTTATGGCTCTTGTGGAGCAACTTCTACC-3'
Protein context (NP_000405.1, residues 78-98): EGEKVVKTAL[Asp88=]AFGRIDVVVN

ClinVar aggregate classification (germline): Likely benign. Review status: criteria provided, multiple submitters, no conflicts (2 of 4 stars). 2 submissions from 2 submitters: Likely benign (2). Last evaluated 2024-10-30.

Conditions:
Perrault syndrome. Also called: Gonadal dysgenesis with auditory dysfunction, autosomal recessive inheritance. Identifiers: Orphanet 2855, MedGen C0685838, MONDO:0017312.
Bifunctional peroxisomal enzyme deficiency (DBIF). Also called: D-bifunctional protein deficiency; PBFE DEFICIENCY; DBP DEFICIENCY. Identifiers: Orphanet 300, MedGen C0342870, MONDO:0009855, OMIM 261515. Disease mechanism: loss of function.

Allele frequency attached by ClinVar (database versions not stated): ExAC 0.00001; gnomAD exomes 0.00001 and 0.00002; TOPMed 0.00002; gnomAD 0.00003.
gnomAD v4.1: 32 of 1,605,708 alleles (0.002%); highest among the groups gnomAD compares: Non-Finnish European, 0.0026%; no homozygotes.

Submissions (2):

Labcorp Genetics (formerly Invitae), Labcorp
Classification: Likely benign for Perrault syndrome; Bifunctional peroxisomal enzyme deficiency. Last evaluated: 2024-10-30. Review status: criteria provided, single submitter. Criteria: Invitae Variant Classification Sherloc (09022015). Collection method: clinical testing. Allele origin: germline.

Laboratory for Molecular Medicine, Mass General Brigham Personalized Medicine
Classification: Likely benign. Last evaluated: 2017-08-23. Review status: criteria provided, single submitter. Criteria: LMM Criteria. Collection method: clinical testing. Allele origin: germline. Observed: 1 variant allele.
Comment: p.Asp113Asp in exon 5 of HSD17B4: This variant is not expected to have clinical significance because it does not alter an amino acid residue and is not located within the splice consensus sequence. It has been identified in 1/66736 European chromosomes by the Exome Aggregation Consortium (ExAC; dbSNP rs763999607).